The following is an entry in ClinVar:

ClinVar aggregate classification (germline): Uncertain significance (1 of 4 stars; one submission).

Conditions:
Inborn genetic diseases. Identifiers: MedGen C0950123, MeSH D030342.

Submission:

Ambry Genetics
Classification: Uncertain significance for Inborn genetic diseases. Last evaluated: 2026-05-14. Review status: criteria provided, single submitter. Criteria: Ambry Variant Classification Scheme 2023. Collection method: clinical testing. Allele origin: germline.
Comment: The p.P104R variant (also known as c.311C>G), located in coding exon 1 of the SH2B3 gene, results from a C to G substitution at nucleotide position 311. The proline at codon 104 is replaced by arginine, an amino acid with dissimilar properties. This amino acid position is conserved. In addition, this alteration is predicted to be tolerated by in silico analysis. Based on the available evidence, the clinical significance of this variant remains unclear.

NM_005475.3(SH2B3):c.311C>G (p.Pro104Arg)

Gene: SH2B3 (SH2B adaptor protein 3; plus strand). Cytogenetic location: 12q24.12.
Variant type: single nucleotide variant.
Coding change: c.311C>G on transcript NM_005475.3 (MANE Select); coding-DNA position 311, C replaced by G.
Protein change: p.Pro104Arg; replaces proline 104 with arginine.
Molecular consequence: missense variant.
Genome position (GRCh38, 1-based): chr12:111,418,456, C>G. VCF-style: chr12-111418456-C-G. GRCh37 (hg19) VCF-style: chr12-111856260-C-G.
Other names: short protein forms P104R.
Identifiers: ClinVar variation 4864445 (VCV004864445.1).